The following is an entry in ClinVar:

ClinVar aggregate classification (germline): Uncertain significance (1 of 4 stars; one submission).

Conditions:
Noonan syndrome 9 (NS9). Identifiers: Orphanet 648, MedGen C4225282, MONDO:0014691, OMIM 616559.

Allele frequency attached by ClinVar (database versions not stated): gnomAD exomes below 0.00001; ExAC 0.00001; 1000 Genomes Project 30x 0.00016; 1000 Genomes Project 0.00020.
gnomAD v4.1: 2 of 1,613,086 alleles (0.00012%); highest among the groups gnomAD compares: African/African-American, 0.0027%; no homozygotes.

Submission:

Labcorp Genetics (formerly Invitae), Labcorp
Classification: Uncertain significance for Noonan syndrome 9. Last evaluated: 2025-08-03. Review status: criteria provided, single submitter. Criteria: Invitae Variant Classification Sherloc (09022015). Collection method: clinical testing. Allele origin: germline.
Comment: This sequence change replaces proline, which is neutral and non-polar, with leucine, which is neutral and non-polar, at codon 394 of the SOS2 protein (p.Pro394Leu). This variant is present in population databases (rs144332746, gnomAD 0.007%). This variant has not been reported in the literature in individuals affected with SOS2-related conditions. ClinVar contains an entry for this variant (Variation ID: 935878). Invitae Evidence Modeling of protein sequence and biophysical properties (such as structural, functional, and spatial information, amino acid conservation, physicochemical variation, residue mobility, and thermodynamic stability) indicates that this missense variant is not expected to disrupt SOS2 protein function with a negative predictive value of 95%. Algorithms developed to predict the effect of sequence changes on RNA splicing suggest that this variant may create or strengthen a splice site. In summary, the available evidence is currently insufficient to determine the role of this variant in disease. Therefore, it has been classified as a Variant of Uncertain Significance.

NM_006939.4(SOS2):c.1181C>T (p.Pro394Leu)

Gene: SOS2 (SOS Ras/Rho guanine nucleotide exchange factor 2; minus strand). Cytogenetic location: 14q21.3.
Variant type: single nucleotide variant.
Coding change: c.1181C>T on transcript NM_006939.4 (MANE Select); coding-DNA position 1181, C replaced by T.
Protein change: p.Pro394Leu; replaces proline 394 with leucine.
Molecular consequence: missense variant.
Genome position (GRCh38, 1-based): chr14:50,161,497, G>A on the plus strand (C>T on the coding strand, the complement: SOS2 is on the minus strand). VCF-style: chr14-50161497-G-A. GRCh37 (hg19) VCF-style: chr14-50628215-G-A.
Other names: short protein forms P394L.
Identifiers: ClinVar variation 935878 (VCV000935878.10), dbSNP rs144332746, ClinGen allele CA7177330.
Genomic context (GRCh38, chr14:50,161,497, plus strand): 5'-GCGAAGTAAGCAGAGGCATTCACGTTTTCAACACTTTGGAATTACCCAGGTCGACGTCTA[G>A]GTGAATACTGCTTGTAAATTCGGTCCATGCTACCTTGGAGATTCATGAGAGCAGTAATAG-3'
Protein context (NP_008870.2, residues 384-404): SMDRIYKQYS[Pro394Leu]RRRPGDPVCP